The following is an entry in ClinVar:

NM_206933.4(USH2A):c.1722T>G (p.Pro574=)

Gene: USH2A (usherin; minus strand). Cytogenetic location: 1q41.
Variant type: single nucleotide variant.
Coding change: c.1722T>G on transcript NM_206933.4 (MANE Select); coding-DNA position 1722, T replaced by G.
Protein change: p.Pro574=; no amino-acid change (proline 574 retained).
Molecular consequence: synonymous variant.
Genome position (GRCh38, 1-based): chr1:216,292,293, A>C on the plus strand (T>G on the coding strand, the complement: USH2A is on the minus strand). VCF-style: chr1-216292293-A-C. GRCh37 (hg19) VCF-style: chr1-216465635-A-C.
Other names: c.1722T>G, p.Pro574= (NM_007123.6).
Identifiers: ClinVar variation 48473 (VCV000048473.11), dbSNP rs397518002, ClinGen allele CA143417.
Genomic context (GRCh38, chr1:216,292,293, plus strand): 5'-AGGAAATGGGTCTACAGAGATGTTGTAATGGCAGCTTTTGGAATGGCTGTTGCATTGACA[A>C]GGTTTACAATTGAAAGCGTAAACTTGATCACCTTGGCGGAAAGGCTTGTCATTATAAAGA-3'
Protein context (NP_996816.3, residues 564-584): GDQVYAFNCK[Pro574=]CQCNSHSKSC

ClinVar aggregate classification (germline): Likely benign. Review status: criteria provided, multiple submitters, no conflicts (2 of 4 stars). 5 submissions from 4 submitters: Likely benign (4). 1 of the submissions does not count toward it. Last evaluated 2023-11-04.

Conditions:
Retinitis pigmentosa 39 (RP39). Identifiers: Orphanet 791, MedGen C3151138, MONDO:0013436, OMIM 613809.
Usher syndrome type 2A. Also called: RETINAL DISEASE IN USHER SYNDROME TYPE IIA, MODIFIER OF; USHER SYNDROME, TYPE IIA. Identifiers: Orphanet 231178, Orphanet 886, MedGen C1848634, MONDO:0010169, OMIM 276901.

Allele frequency attached by ClinVar (database versions not stated): gnomAD exomes below 0.00001 and 0.00001; ExAC 0.00001.
gnomAD v4.1: 3 of 1,614,122 alleles (0.00019%); highest among the groups gnomAD compares: Non-Finnish European, 0.00025%; no homozygotes.

Submissions (5):

Genome-Nilou Lab
Classification: Likely benign for Retinitis pigmentosa 39. Last evaluated: 2023-11-04. Review status: criteria provided, single submitter. Criteria: ACMG Guidelines, 2015. Collection method: clinical testing. Allele origin: germline. Affected: no.

Genome-Nilou Lab
Classification: Likely benign for Usher syndrome type 2A. Last evaluated: 2023-11-04. Review status: criteria provided, single submitter. Criteria: ACMG Guidelines, 2015. Collection method: clinical testing. Allele origin: germline. Affected: no.

Labcorp Genetics (formerly Invitae), Labcorp
Classification: Likely benign. Last evaluated: 2022-06-12. Review status: criteria provided, single submitter. Criteria: Invitae Variant Classification Sherloc (09022015). Collection method: clinical testing. Allele origin: germline.

Laboratory for Molecular Medicine, Mass General Brigham Personalized Medicine
Classification: Likely benign. Last evaluated: 2012-02-08. Review status: criteria provided, single submitter. Criteria: LMM Criteria. Collection method: clinical testing. Allele origin: germline. Observed: 1 variant allele.
Comment: ro574Pro in exon 10 of USH2A: This variant is not expected to have clinical sign ificance because it does not alter an amino acid residue and is not located with in the splice consensus sequence.

Counsyl
Classification: Likely benign for Usher syndrome type 2A; Retinitis pigmentosa 39. Last evaluated: 2017-11-08. Review status: no assertion criteria provided. Collection method: clinical testing. Allele origin: unknown. Not counted in ClinVar's aggregate classification.